The following is an entry in ClinVar:

NM_001194998.2(CEP152):c.692-1G>C

Gene: CEP152 (centrosomal protein 152; minus strand). Cytogenetic location: 15q21.1.
Variant type: single nucleotide variant.
Coding change: c.692-1G>C on transcript NM_001194998.2 (MANE Select); the canonical splice acceptor site of the intron before coding-DNA position 692, G replaced by C.
Molecular consequence: splice acceptor variant.
Genome position (GRCh38, 1-based): chr15:48,793,462, C>G on the plus strand (G>C on the coding strand, the complement: CEP152 is on the minus strand). VCF-style: chr15-48793462-C-G. GRCh37 (hg19) VCF-style: chr15-49085659-C-G.
Other names: c.692-1G>C (NM_014985.4).
Identifiers: ClinVar variation 2862085 (VCV002862085.3), dbSNP rs1363366811, ClinGen allele CA392356882.

ClinVar aggregate classification (germline): Likely pathogenic (1 of 4 stars; one submission).

Allele frequency attached by ClinVar (database versions not stated): gnomAD exomes below 0.00001; gnomAD 0.00001.
gnomAD v4.1: 2 of 1,611,938 alleles (0.00012%); highest among the groups gnomAD compares: African/African-American, 0.0013%; no homozygotes.

Submission:

Labcorp Genetics (formerly Invitae), Labcorp
Classification: Likely pathogenic. Last evaluated: 2023-05-05. Review status: criteria provided, single submitter. Criteria: Invitae Variant Classification Sherloc (09022015). Collection method: clinical testing. Allele origin: germline.
Comment: This variant has not been reported in the literature in individuals affected with CEP152-related conditions. This variant is present in population databases (no rsID available, gnomAD 0.01%). This sequence change affects an acceptor splice site in intron 6 of the CEP152 gene. It is expected to disrupt RNA splicing. Variants that disrupt the donor or acceptor splice site typically lead to a loss of protein function (PMID: 16199547), and loss-of-function variants in CEP152 are known to be pathogenic (PMID: 21131973). In summary, the currently available evidence indicates that the variant is pathogenic, but additional data are needed to prove that conclusively. Therefore, this variant has been classified as Likely Pathogenic. Algorithms developed to predict the effect of sequence changes on RNA splicing suggest that this variant may disrupt the consensus splice site.

Literature cited by the submitters: PubMed 16199547; PubMed 21131973.